The following is an entry in ClinVar:

NM_000038.6(APC):c.6353C>G (p.Ala2118Gly)

Gene: APC (APC regulator of Wnt signaling pathway; plus strand). Cytogenetic location: 5q22.2.
Variant type: single nucleotide variant.
Coding change: c.6353C>G on transcript NM_000038.6 (MANE Select); coding-DNA position 6353, C replaced by G.
Protein change: p.Ala2118Gly; replaces alanine 2118 with glycine.
Molecular consequence: missense variant.
Genome position (GRCh38, 1-based): chr5:112,841,947, C>G. VCF-style: chr5-112841947-C-G. GRCh37 (hg19) VCF-style: chr5-112177644-C-G.
Other names: c.5873C>G, p.Ala1958Gly (NM_001354905.2); c.5504C>G, p.Ala1835Gly (NM_001354906.2); c.6353C>G (NM_000038.5); c.6353C>G, p.Ala2118Gly (NM_001127510.3, NM_001354895.2); c.6299C>G, p.Ala2100Gly (NM_001127511.3); c.6407C>G, p.Ala2136Gly (NM_001354896.2); c.6383C>G, p.Ala2128Gly (NM_001354897.2); c.6278C>G, p.Ala2093Gly (NM_001354898.2); and 6 more; short protein forms A2017G, A2027G, A2077G, A2100G, A2118G, A2136G, A2093G, A1835G.
Identifiers: ClinVar variation 1477255 (VCV001477255.7), dbSNP rs1114167574, ClinGen allele CA16035247.

ClinVar aggregate classification (germline): Uncertain significance. Review status: criteria provided, multiple submitters, no conflicts (2 of 4 stars). 2 submissions from 2 submitters: Uncertain significance (2). Last evaluated 2023-02-10.

Conditions:
Hereditary cancer-predisposing syndrome. Also called: Neoplastic Syndromes, Hereditary; Hereditary Cancer Syndrome; Tumor predisposition; Hereditary neoplastic syndrome. Identifiers: Orphanet 140162, MedGen C0027672, MeSH D009386, MONDO:0015356.
Familial adenomatous polyposis 1 (FAP1). Also called: FAMILIAL ADENOMATOUS POLYPOSIS 1, ATTENUATED; POLYPOSIS, ADENOMATOUS INTESTINAL. Identifiers: MedGen C2713442, MONDO:0021056, OMIM 175100. Disease mechanism: loss of function.

Allele frequency attached by ClinVar (database versions not stated): gnomAD exomes below 0.00001.
gnomAD v4.1: 2 of 1,613,300 alleles (0.00012%); highest among the groups gnomAD compares: Non-Finnish European, 0.00017%; no homozygotes.

Submissions (2):

Ambry Genetics
Classification: Uncertain significance for Hereditary cancer-predisposing syndrome. Last evaluated: 2023-02-10. Review status: criteria provided, single submitter. Criteria: Ambry Variant Classification Scheme 2023. Collection method: clinical testing. Allele origin: germline.
Comment: The p.A2118G variant (also known as c.6353C>G), located in coding exon 15 of the APC gene, results from a C to G substitution at nucleotide position 6353. The alanine at codon 2118 is replaced by glycine, an amino acid with similar properties. This amino acid position is conserved. In addition, in silico predictors for this gene do not accurately predict pathogenicity. Since supporting evidence is limited at this time, the clinical significance of this alteration remains unclear.

Labcorp Genetics (formerly Invitae), Labcorp
Classification: Uncertain significance for Familial adenomatous polyposis 1. Last evaluated: 2021-09-24. Review status: criteria provided, single submitter. Criteria: Invitae Variant Classification Sherloc (09022015). Collection method: clinical testing. Allele origin: germline.
Comment: In summary, the available evidence is currently insufficient to determine the role of this variant in disease. Therefore, it has been classified as a Variant of Uncertain Significance. Algorithms developed to predict the effect of sequence changes on RNA splicing suggest that this variant may create or strengthen a splice site. Algorithms developed to predict the effect of missense changes on protein structure and function are either unavailable or do not agree on the potential impact of this missense change (SIFT: "Deleterious"; PolyPhen-2: "Probably Damaging"; Align-GVGD: "Class C0"). This variant has not been reported in the literature in individuals affected with APC-related conditions. This variant is not present in population databases (ExAC no frequency). This sequence change replaces alanine with glycine at codon 2118 of the APC protein (p.Ala2118Gly). The alanine residue is highly conserved and there is a small physicochemical difference between alanine and glycine.